The following is an entry in ClinVar:

ClinVar aggregate classification (germline): Pathogenic (1 of 4 stars; one submission).

Conditions:
COG5-congenital disorder of glycosylation. Also called: CONGENITAL DISORDER OF GLYCOSYLATION, TYPE IIi; COG5-CDG; CDG IIi. Identifiers: Orphanet 263487, MedGen C3150876, MONDO:0013325, OMIM 613612.

Submission:

Labcorp Genetics (formerly Invitae), Labcorp
Classification: Pathogenic for COG5-congenital disorder of glycosylation. Last evaluated: 2022-03-19. Review status: criteria provided, single submitter. Criteria: Invitae Variant Classification Sherloc (09022015). Collection method: clinical testing. Allele origin: germline.
Comment: This variant is a gross deletion of the genomic region encompassing exon(s) 7-22 of the COG5 gene, which includes the termination codon. This deletion extends beyond the assayed region for this gene and therefore may encompass additional genes. While this deletion is not anticipated to lead to nonsense mediated decay, it is expected to alter mRNA translation or result in a truncated protein product. For these reasons, this variant has been classified as Pathogenic. This variant disrupts a region of the COG5 protein in which other variant(s) (p.Glu840*) have been determined to be pathogenic (PMID: 23228021). This suggests that this is a clinically significant region of the protein, and that variants that disrupt it are likely to be disease-causing. This variant has not been reported in the literature in individuals affected with COG5-related conditions.

Literature cited by the submitters: PubMed 23228021.

NC_000007.13:g.(?_106843961)_(107053097_?)del

Gene: COG5 (component of oligomeric golgi complex 5; minus strand). Cytogenetic location: 7q22.3.
Variant type: Deletion.
Identifiers: ClinVar variation 2425580 (VCV002425580.4).